The following is an entry in ClinVar:

ClinVar aggregate classification (germline): Pathogenic (1 of 4 stars; one submission).

Conditions:
Early-infantile DEE. Also called: Early infantile epileptic encephalopathy with suppression bursts; Early infantile epileptic encephalopathy; Ohtahara syndrome. Identifiers: Orphanet 1934, MedGen C0393706, MONDO:0800491.

Submission:

Labcorp Genetics (formerly Invitae), Labcorp
Classification: Pathogenic for Early-infantile DEE. Last evaluated: 2022-07-26. Review status: criteria provided, single submitter. Criteria: Invitae Variant Classification Sherloc (09022015). Collection method: clinical testing. Allele origin: germline.
Comment: For these reasons, this variant has been classified as Pathogenic. ClinVar contains an entry for this variant (Variation ID: 1456220). This variant has not been reported in the literature in individuals affected with KCNQ2-related conditions. This variant is not present in population databases (gnomAD no frequency). This sequence change creates a premature translational stop signal (p.Leu40Profs*79) in the KCNQ2 gene. It is expected to result in an absent or disrupted protein product. Loss-of-function variants in KCNQ2 are known to be pathogenic (PMID: 14534157, 23692823, 27779742).

Literature cited by the submitters: PubMed 14534157; PubMed 23692823; PubMed 27779742.

NM_172107.4(KCNQ2):c.119_120del (p.Leu40fs)

Gene: KCNQ2 (potassium voltage-gated channel subfamily Q member 2; minus strand). Cytogenetic location: 20q13.33.
Variant type: Deletion.
Coding change: c.119_120del on transcript NM_172107.4 (MANE Select); coding-DNA positions 119 to 120, 2 bases deleted (TG; older notation c.119_120delTG).
Protein change: p.Leu40fs; shifts the reading frame from leucine 40.
Molecular consequence: frameshift variant.
Genome position (GRCh38, 1-based): chr20:63,472,344-63,472,345, CA deleted on the plus strand (TG on the coding strand, the reverse complement: KCNQ2 is on the minus strand). VCF-style (leftmost placement, unchanged base first): chr20-63472343-GCA-G. GRCh37 (hg19) VCF-style: chr20-62103696-GCA-G.
Other names: c.119_120del, p.Leu40fs (NM_001382235.1, NM_004518.6, NM_172106.3 and 2 more transcripts); short protein forms L40fs.
Identifiers: ClinVar variation 1456220 (VCV001456220.7), dbSNP rs2145921876, ClinGen allele CA2573157303.
Genomic context (GRCh38, chr20:63,472,343, plus strand): 5'-CGCCCGCGCGAGGTTTGCTGAGGATGCTGCCGCGCTTGGGGGCCTCGGAGCCGGCGATCA[GCA>G]GCGCCCCGTCCCGGGTGGAGTCGGGCGCGCCGGGGTCCAGCCCCACGAAGCCCACCTTCA-3'